The following is an entry in ClinVar:

ClinVar aggregate classification (germline): Benign (1 of 4 stars; one submission).

Conditions:
Leigh syndrome (NULS). Also called: Leigh's necrotizing encephalopathy; Leigh's disease; Leigh's syndrome; LEIGH SYNDROME, NUCLEAR; Leigh Syndrome (mtDNA deletion); Leigh Disease. Identifiers: Orphanet 506, MedGen C2931891, MONDO:0009723, OMIM 256000.

Submission:

Wong Mito Lab, Molecular and Human Genetics, Baylor College of Medicine
Classification: Benign for Leigh syndrome. Last evaluated: 2019-10-17. Review status: criteria provided, single submitter. Criteria: Modified ACMG Guidelines (Unpublished). Collection method: clinical testing. Allele origin: germline.
Comment: The NC_012920.1:m.13789T>C (YP_003024036.1:p.Tyr485His) variant in MTND5 gene is interpretated to be a Benign variant based on the modified ACMG guidelines (unpublished). This variant meets the following evidence codes: BA1

NC_012920.1(MT-ND5):m.13789T>C

Gene: MT-ND5 (mitochondrially encoded NADH dehydrogenase 5; plus strand).
Variant type: single nucleotide variant.
Genome position: chrM-13789-T-C.
Identifiers: ClinVar variation 693610 (VCV000693610.1), dbSNP rs28359179, ClinGen allele CA337099816.